The following is an entry in ClinVar:

ClinVar aggregate classification (germline): Likely benign. Review status: criteria provided, single submitter (1 of 4 stars). 2 submissions from 2 submitters: Likely benign (1). 1 of the submissions does not count toward it. Last evaluated 2025-02-03.

Conditions:
SLX4-related disorder. Also called: SLX4-related condition.
Fanconi anemia (FA). Also called: Fanconi's anemia. Identifiers: Orphanet 84, MedGen C0015625, MeSH D005199, MONDO:0019391.

Allele frequency attached by ClinVar (database versions not stated): gnomAD exomes 0.00001 and 0.00002; ExAC 0.00002; TOPMed 0.00002; gnomAD 0.00003 and 0.00004.
gnomAD v4.1: 17 of 1,614,074 alleles (0.0011%); highest among the groups gnomAD compares: Admixed American, 0.01%; no homozygotes.

Submissions (2):

Labcorp Genetics (formerly Invitae), Labcorp
Classification: Likely benign for Fanconi anemia. Last evaluated: 2025-02-03. Review status: criteria provided, single submitter. Criteria: Invitae Variant Classification Sherloc (09022015). Collection method: clinical testing. Allele origin: germline.

PreventionGenetics, part of Exact Sciences
Classification: Likely benign for SLX4-related condition. Last evaluated: 2021-10-06. Review status: no assertion criteria provided. Collection method: clinical testing. Allele origin: germline. Not counted in ClinVar's aggregate classification.
Comment: This variant is classified as likely benign based on ACMG/AMP sequence variant interpretation guidelines (Richards et al. 2015 PMID: 25741868, with internal and published modifications).

NM_032444.4(SLX4):c.2500T>C (p.Leu834=)

Gene: SLX4 (SLX4 structure-specific endonuclease subunit; minus strand). Cytogenetic location: 16p13.3.
Variant type: single nucleotide variant.
Coding change: c.2500T>C on transcript NM_032444.4 (MANE Select); coding-DNA position 2500, T replaced by C.
Protein change: p.Leu834=; no amino-acid change (leucine 834 retained).
Molecular consequence: synonymous variant.
Genome position (GRCh38, 1-based): chr16:3,591,138, A>G on the plus strand (T>C on the coding strand, the complement: SLX4 is on the minus strand). VCF-style: chr16-3591138-A-G. GRCh37 (hg19) VCF-style: chr16-3641139-A-G.
Other names: c.2500T>C (NM_032444.3).
Identifiers: ClinVar variation 1564300 (VCV001564300.10), dbSNP rs755984266, ClinGen allele CA7866138.